The following is an entry in ClinVar:

ClinVar aggregate classification (germline): Uncertain significance (1 of 4 stars; one submission).

Conditions:
Heterotopia, periventricular, X-linked dominant (PVNH1). Also called: PERIVENTRICULAR NODULAR HETEROTOPIA 1; X-linked periventricular heterotopia; PERIVENTRICULAR NODULAR HETEROTOPIA 4; HETEROTOPIA, PERIVENTRICULAR, 1. Identifiers: Orphanet 2149, Orphanet 82004, MedGen C1848213, MONDO:0010233, OMIM 300049.
Melnick-Needles syndrome (MNS). Also called: Melnick-Needles Syndrome (FLNA-MNS); MELNICK-NEEDLES OSTEODYSPLASTY; OSTEODYSPLASTY OF MELNICK AND NEEDLES. Identifiers: Orphanet 2484, MedGen C0025237, MONDO:0010650, OMIM 309350.
Frontometaphyseal dysplasia (FMD1). Identifiers: Orphanet 1826, MedGen C0265293, MONDO:0015942.
Oto-palato-digital syndrome, type II (OPD2). Also called: Otopalatodigital Syndrome Type 2 (FLNA-OPD2); FACIOPALATOOSSEOUS SYNDROME; OPD II SYNDROME; Otopalatodigital Syndrome, Type II. Identifiers: Orphanet 669, Orphanet 90652, MedGen C1844696, MONDO:0010571, OMIM 304120.

Submission:

Labcorp Genetics (formerly Invitae), Labcorp
Classification: Uncertain significance for Oto-palato-digital syndrome, type II; Heterotopia, periventricular, X-linked dominant; Frontometaphyseal dysplasia; Melnick-Needles syndrome. Last evaluated: 2023-08-18. Review status: criteria provided, single submitter. Criteria: Invitae Variant Classification Sherloc (09022015). Collection method: clinical testing. Allele origin: germline.
Comment: In summary, the available evidence is currently insufficient to determine the role of this variant in disease. Therefore, it has been classified as a Variant of Uncertain Significance. Advanced modeling of protein sequence and biophysical properties (such as structural, functional, and spatial information, amino acid conservation, physicochemical variation, residue mobility, and thermodynamic stability) performed at Invitae indicates that this missense variant is not expected to disrupt FLNA protein function. This variant has not been reported in the literature in individuals affected with FLNA-related conditions. This variant is not present in population databases (gnomAD no frequency). This sequence change replaces valine, which is neutral and non-polar, with methionine, which is neutral and non-polar, at codon 1445 of the FLNA protein (p.Val1445Met).

NM_001110556.2(FLNA):c.4333G>A (p.Val1445Met)

Gene: FLNA (filamin A; minus strand). Cytogenetic location: Xq28.
Variant type: single nucleotide variant.
Coding change: c.4333G>A on transcript NM_001110556.2 (MANE Select); coding-DNA position 4333, G replaced by A.
Protein change: p.Val1445Met; replaces valine 1445 with methionine.
Molecular consequence: missense variant.
Genome position (GRCh38, 1-based): chrX:154,359,125, C>T on the plus strand (G>A on the coding strand, the complement: FLNA is on the minus strand). VCF-style: chrX-154359125-C-T. GRCh37 (hg19) VCF-style: chrX-153587493-C-T.
Other names: c.4333G>A, p.Val1445Met (NM_001456.4); short protein forms V1445M.
Identifiers: ClinVar variation 2951097 (VCV002951097.3), dbSNP rs2522737515, ClinGen allele CA415217197.
Genomic context (GRCh38, chrX:154,359,125, plus strand): 5'-CACGAACCATGCCTGGGCTCAGGCCGGGCCCAGAGCACTTGACCTTGGACGCATCTGTCA[C>T]ATCATGCACAGGGACCTTGAAAGGACTGCCTGAGGGTTGGGGCAAAGGGATGGCGGCTGT-3'
Protein context (NP_001104026.1, residues 1435-1455): GSPFKVPVHD[Val1445Met]TDASKVKCSG